The following is an entry in ClinVar:

NM_006087.4(TUBB4A):c.631T>A (p.Cys211Ser)

Gene: TUBB4A (tubulin beta 4A class IVa; minus strand). Cytogenetic location: 19p13.3.
Variant type: single nucleotide variant.
Coding change: c.631T>A on transcript NM_006087.4 (MANE Select); coding-DNA position 631, T replaced by A.
Protein change: p.Cys211Ser; replaces cysteine 211 with serine.
Molecular consequence: missense variant.
Genome position (GRCh38, 1-based): chr19:6,495,868, A>T on the plus strand (T>A on the coding strand, the complement: TUBB4A is on the minus strand). VCF-style: chr19-6495868-A-T. GRCh37 (hg19) VCF-style: chr19-6495879-A-T.
Other names: c.784T>A, p.Cys262Ser (NM_001289123.2); c.766T>A, p.Cys256Ser (NM_001289127.2); c.631T>A, p.Cys211Ser (NM_001289129.2); c.415T>A, p.Cys139Ser (NM_001289130.2, NM_001289131.2); short protein forms C139S, C211S, C256S, C262S.
Identifiers: ClinVar variation 4891230 (VCV004891230.1).
Genomic context (GRCh38, chr19:6,495,868, plus strand): 5'-CCGACACCAGGTGGTTGAGGTCCCCGTAGGTGGGGGTGGTCAGCTTGAGGGTGCGGAAAC[A>T]GATGTCGTAGAGTGCCTCGTTGTCGATGCAGTAGGTCTCATCCGTATTCTCCACCAGCTG-3'
Protein context (NP_006078.2, residues 201-221): CIDNEALYDI[Cys211Ser]FRTLKLTTPT

ClinVar aggregate classification (germline): Uncertain significance (1 of 4 stars; one submission).

Submission:

Greenwood Genetic Center Diagnostic Laboratories, Greenwood Genetic Center
Classification: Uncertain significance. Last evaluated: 2026-04-17. Review status: criteria provided, single submitter. Criteria: ACMG Guidelines, 2015. Collection method: clinical testing. Allele origin: germline.
Comment: PM2, PP2, PP3